The following is an entry in ClinVar:

NM_001024630.4(RUNX2):c.653A>C (p.Lys218Thr)

Gene: RUNX2 (RUNX family transcription factor 2; plus strand). Cytogenetic location: 6p21.1.
Variant type: single nucleotide variant.
Coding change: c.653A>C on transcript NM_001024630.4 (MANE Select); coding-DNA position 653, A replaced by C.
Protein change: p.Lys218Thr; replaces lysine 218 with threonine.
Molecular consequence: missense variant.
Genome position (GRCh38, 1-based): chr6:45,438,019, A>C. VCF-style: chr6-45438019-A-C. GRCh37 (hg19) VCF-style: chr6-45405756-A-C.
Other names: c.653A>C, p.Lys218Thr (NM_001015051.4); c.611A>C, p.Lys204Thr (NM_001278478.2, NM_001369405.1); short protein forms K204T, K218T.
Identifiers: ClinVar variation 4743273 (VCV004743273.1).

ClinVar aggregate classification (germline): Uncertain significance (1 of 4 stars; one submission).

Submission:

Labcorp Genetics (formerly Invitae), Labcorp
Classification: Uncertain significance. Last evaluated: 2025-04-14. Review status: criteria provided, single submitter. Criteria: Invitae Variant Classification Sherloc (09022015). Collection method: clinical testing. Allele origin: germline.
Comment: This sequence change replaces lysine, which is basic and polar, with threonine, which is neutral and polar, at codon 218 of the RUNX2 protein (p.Lys218Thr). This variant is not present in population databases (gnomAD no frequency). This missense change has been observed in individual(s) with clinical features of cleidocranial dysplasia (internal data). Invitae Evidence Modeling of protein sequence and biophysical properties (such as structural, functional, and spatial information, amino acid conservation, physicochemical variation, residue mobility, and thermodynamic stability) indicates that this missense variant is expected to disrupt RUNX2 protein function with a positive predictive value of 80%. This variant disrupts the p.Lys218 amino acid residue in RUNX2. Other variant(s) that disrupt this residue have been determined to be pathogenic (PMID: 20648631, 31347140). This suggests that this residue is clinically significant, and that variants that disrupt this residue are likely to be disease-causing. In summary, the available evidence is currently insufficient to determine the role of this variant in disease. Therefore, it has been classified as a Variant of Uncertain Significance.

Literature cited by the submitters: PubMed 20648631; PubMed 31347140.